The following is an entry in ClinVar:

ClinVar aggregate classification (germline): Uncertain significance (1 of 4 stars; one submission).

Conditions:
Hereditary cancer-predisposing syndrome. Also called: Hereditary neoplastic syndrome; Neoplastic Syndromes, Hereditary; Tumor predisposition; Hereditary Cancer Syndrome. Identifiers: Orphanet 140162, MedGen C0027672, MeSH D009386, MONDO:0015356.

Submission:

Ambry Genetics
Classification: Uncertain significance for Hereditary cancer-predisposing syndrome. Last evaluated: 2025-03-03. Review status: criteria provided, single submitter. Criteria: Ambry Variant Classification Scheme 2023. Collection method: clinical testing. Allele origin: germline.
Comment: The p.E804* variant (also known as c.2410G>T), located in coding exon 20 of the EGFR gene, results from a G to T substitution at nucleotide position 2410. This changes the amino acid from a glutamic acid to a stop codon within coding exon 20. This variant is considered to be rare based on population cohorts in the Genome Aggregation Database (gnomAD). This alteration is expected to result in loss of function by premature protein truncation or nonsense-mediated mRNA decay. Loss-of-function variants subject to nonsense mediated decay (NMD) in EGFR are known to cause EGFR-related neonatal inflammatory skin and bowel disease; however, such associations with EGFR-related lung cancer have not been reported. Based on the supporting evidence, this alteration is likely pathogenic for EGFR-related neonatal inflammatory skin and bowel disease; however, the association of this alteration with EGFR-related lung cancer is unknown.

NM_005228.5(EGFR):c.2410G>T (p.Glu804Ter)

Genes: EGFR (epidermal growth factor receptor; plus strand), EGFR-AS1 (EGFR antisense RNA 1; minus strand). Cytogenetic location: 7p11.2.
Variant type: single nucleotide variant.
Coding change: c.2410G>T on transcript NM_005228.5 (MANE Select); coding-DNA position 2410, G replaced by T.
Protein change: p.Glu804Ter; replaces glutamic acid 804 with a stop codon.
Molecular consequence: nonsense. On other transcripts: non-coding transcript variant (1).
Genome position (GRCh38, 1-based): chr7:55,181,419, G>T. VCF-style: chr7-55181419-G-T. GRCh37 (hg19) VCF-style: chr7-55249112-G-T.
Other names: c.2275G>T, p.Glu759Ter (NM_001346897.2, NM_001346899.2); c.2410G>T, p.Glu804Ter (NM_001346898.2); c.2251G>T, p.Glu751Ter (NM_001346900.2); c.1609G>T, p.Glu537Ter (NM_001346941.2); short protein forms E537*, E751*, E759*, E804*.
Identifiers: ClinVar variation 3843829 (VCV003843829.1).